The following is an entry in ClinVar:

NM_172362.3(KCNH1):c.1452GAT[1] (p.Met485del)

Gene: KCNH1 (potassium voltage-gated channel subfamily H member 1; minus strand). Cytogenetic location: 1q32.2.
Variant type: Microsatellite.
Coding change: c.1452GAT[1] on transcript NM_172362.3 (MANE Select); one copy of the 3-base unit GAT starting at c.1452; the reference has two copies in a row; one copy, 3 bases deleted.
Protein change: p.Met485del; deletes methionine 485.
Molecular consequence: inframe deletion.
Genome position (GRCh38, 1-based): chr1:210,919,645-210,919,647, ATC deleted on the plus strand (GAT on the coding strand, the reverse complement: KCNH1 is on the minus strand); deleting any 3 consecutive bases within chr1:210,919,645-210,919,652 gives the same sequence; the position shown is the placement nearest the transcript's 3' end. VCF-style (leftmost placement, unchanged base first): chr1-210919644-AATC-A. GRCh37 (hg19) VCF-style: chr1-211092986-AATC-A.
Other names: c.1371GAT[1], p.Met458del (NM_002238.4); short protein forms M485del, M458del.
Identifiers: ClinVar variation 1474828 (VCV001474828.8), dbSNP rs2102561284, ClinGen allele CA2580611537.

ClinVar aggregate classification (germline): Uncertain significance (1 of 4 stars; one submission).

Submission:

Labcorp Genetics (formerly Invitae), Labcorp
Classification: Uncertain significance. Last evaluated: 2025-10-28. Review status: criteria provided, single submitter. Criteria: Invitae Variant Classification Sherloc (09022015). Collection method: clinical testing. Allele origin: germline.
Comment: This variant, c.1455_1457del, results in the deletion of 1 amino acid(s) of the KCNH1 protein (p.Met485del), but otherwise preserves the integrity of the reading frame. This variant is not present in population databases (gnomAD no frequency). This variant has not been reported in the literature in individuals affected with KCNH1-related conditions. Experimental studies and prediction algorithms are not available or were not evaluated, and the functional significance of this variant is currently unknown. In summary, the available evidence is currently insufficient to determine the role of this variant in disease. Therefore, it has been classified as a Variant of Uncertain Significance.